The following is an entry in ClinVar:

NM_000059.4(BRCA2):c.6077C>T (p.Thr2026Ile)

Gene: BRCA2 (BRCA2 DNA repair associated; plus strand). Cytogenetic location: 13q13.1.
Variant type: single nucleotide variant.
Coding change: c.6077C>T on transcript NM_000059.4 (MANE Select); coding-DNA position 6077, C replaced by T.
Protein change: p.Thr2026Ile; replaces threonine 2026 with isoleucine.
Molecular consequence: missense variant.
Genome position (GRCh38, 1-based): chr13:32,340,432, C>T. VCF-style: chr13-32340432-C-T. GRCh37 (hg19) VCF-style: chr13-32914569-C-T.
Other names: c.6077C>T (NM_000059.3); short protein forms T2026I.
Identifiers: ClinVar variation 1508852 (VCV001508852.13), dbSNP rs1228610692, ClinGen allele CA387787997.

ClinVar aggregate classification (germline): Conflicting classifications of pathogenicity. Review status: criteria provided, conflicting classifications (1 of 4 stars). 3 submissions from 3 submitters: Uncertain significance (1); Likely benign (2). Last evaluated 2025-12-18.

Conditions:
Hereditary breast ovarian cancer syndrome. Also called: Hereditary breast and ovarian cancer syndrome (HBOC); Hereditary breast and ovarian cancer; Breast and ovarian cancer; Hereditary breast and/or ovarian cancer syndrome; BRCA1- and BRCA2-Associated Hereditary Breast and Ovarian Cancer; Hereditary breast and ovarian cancer syndrome. Identifiers: Orphanet 145, MedGen C0677776, MeSH D061325, MONDO:0003582. Disease mechanism: loss of function.
Hereditary cancer-predisposing syndrome. Also called: Neoplastic Syndromes, Hereditary; Tumor predisposition; Hereditary Cancer Syndrome; Hereditary neoplastic syndrome. Identifiers: Orphanet 140162, MedGen C0027672, MeSH D009386, MONDO:0015356.

Allele frequency attached by ClinVar (database versions not stated): TOPMed below 0.00001; gnomAD 0.00001.
gnomAD v4.1: 1 of 1,613,688 alleles (0.000062%); highest among the groups gnomAD compares: Non-Finnish European, 0.000085%; no homozygotes.

Submissions (3):

Ambry Genetics
Classification: Likely benign for Hereditary cancer-predisposing syndrome. Last evaluated: 2025-12-18. Review status: criteria provided, single submitter. Criteria: Ambry Variant Classification Scheme 2023. Collection method: clinical testing. Allele origin: germline.

University of Washington Department of Laboratory Medicine, University of Washington
Classification: Likely benign for Hereditary cancer-predisposing syndrome. Last evaluated: 2023-03-23. Review status: criteria provided, single submitter. Criteria: Dines et al. (Genet Med. 2020). Collection method: curation. Allele origin: germline.
Comment: Missense variant in a coldspot region where missense variants are very unlikely to be pathogenic (PMID:31911673).

BRCA2 exon 11 coldspot. Reclassification based on statistical prior probability.

Labcorp Genetics (formerly Invitae), Labcorp
Classification: Uncertain significance for Hereditary breast ovarian cancer syndrome. Last evaluated: 2021-07-07. Review status: criteria provided, single submitter. Criteria: Invitae Variant Classification Sherloc (09022015). Collection method: clinical testing. Allele origin: germline.
Comment: This sequence change replaces threonine with isoleucine at codon 2026 of the BRCA2 protein (p.Thr2026Ile). The threonine residue is weakly conserved and there is a moderate physicochemical difference between threonine and isoleucine. This variant is not present in population databases (ExAC no frequency). This variant has not been reported in the literature in individuals affected with BRCA2-related conditions. Advanced modeling of protein sequence and biophysical properties (such as structural, functional, and spatial information, amino acid conservation, physicochemical variation, residue mobility, and thermodynamic stability) performed at Invitae indicates that this missense variant is not expected to disrupt BRCA2 protein function. In summary, the available evidence is currently insufficient to determine the role of this variant in disease. Therefore, it has been classified as a Variant of Uncertain Significance.